The following is an entry in ClinVar:

NM_138425.4(C12orf57):c.32T>G (p.Leu11Trp)

Gene: C12orf57 (chromosome 12 open reading frame 57; plus strand). Cytogenetic location: 12p13.31.
Variant type: single nucleotide variant.
Coding change: c.32T>G on transcript NM_138425.4 (MANE Select); coding-DNA position 32, T replaced by G.
Protein change: p.Leu11Trp; replaces leucine 11 with tryptophan.
Molecular consequence: missense variant. On other transcripts: 5 prime UTR variant (1), non-coding transcript variant (1), intron variant (1).
Genome position (GRCh38, 1-based): chr12:6,944,153, T>G. VCF-style: chr12-6944153-T-G. GRCh37 (hg19) VCF-style: chr12-7053316-T-G.
Other names: c.32T>G, p.Leu11Trp (NM_001301834.1, NM_001301837.2); c.-170T>G (NM_001301838.2); c.14-323T>G (NM_001301836.2); short protein forms L11W.
Identifiers: ClinVar variation 572527 (VCV000572527.6), dbSNP rs1417249758, ClinGen allele CA383744189.

ClinVar aggregate classification (germline): Uncertain significance (1 of 4 stars; one submission).

Conditions:
Temtamy syndrome (TEMTYS). Also called: MENTAL RETARDATION WITH OR WITHOUT CRANIOFACIAL DYSMORPHISM, OCULAR COLOBOMA, OR ABNORMAL CORPUS CALLOSUM. Identifiers: Orphanet 1777, MedGen C1857512, MONDO:0009033, OMIM 218340.

Allele frequency attached by ClinVar (database versions not stated): gnomAD exomes below 0.00001; gnomAD 0.00001; TOPMed 0.00004.
gnomAD v4.1: 3 of 1,614,082 alleles (0.00019%); highest among the groups gnomAD compares: African/African-American, 0.0013%; no homozygotes.

Submission:

Labcorp Genetics (formerly Invitae), Labcorp
Classification: Uncertain significance for Temtamy syndrome. Last evaluated: 2022-05-19. Review status: criteria provided, single submitter. Criteria: Invitae Variant Classification Sherloc (09022015). Collection method: clinical testing. Allele origin: germline.
Comment: This sequence change replaces leucine, which is neutral and non-polar, with tryptophan, which is neutral and slightly polar, at codon 11 of the C12orf57 protein (p.Leu11Trp). This variant is not present in population databases (gnomAD no frequency). This variant has not been reported in the literature in individuals affected with C12orf57-related conditions. ClinVar contains an entry for this variant (Variation ID: 572527). Algorithms developed to predict the effect of missense changes on protein structure and function are either unavailable or do not agree on the potential impact of this missense change (SIFT: "Deleterious"; PolyPhen-2: "Probably Damaging"; Align-GVGD: "Class C0"). In summary, the available evidence is currently insufficient to determine the role of this variant in disease. Therefore, it has been classified as a Variant of Uncertain Significance.